The following is an entry in ClinVar:

NM_001035.3(RYR2):c.7676G>A (p.Cys2559Tyr)

Gene: RYR2 (ryanodine receptor 2; plus strand). Cytogenetic location: 1q43.
Variant type: single nucleotide variant.
Coding change: c.7676G>A on transcript NM_001035.3 (MANE Select); coding-DNA position 7676, G replaced by A.
Protein change: p.Cys2559Tyr; replaces cysteine 2559 with tyrosine.
Molecular consequence: missense variant.
Genome position (GRCh38, 1-based): chr1:237,650,040, G>A. VCF-style: chr1-237650040-G-A. GRCh37 (hg19) VCF-style: chr1-237813340-G-A.
Other names: short protein forms C2559Y.
Identifiers: ClinVar variation 2774330 (VCV002774330.2), dbSNP rs2547037759, ClinGen allele CA345399323.
Genomic context (GRCh38, chr1:237,650,040, plus strand): 5'-AGCACCACGCTTCTCTCATTGACTCATTACTTCATACTGTGTATAGACTTTCTAAGGGCT[G>A]TTCACTTACCAAAGCTCAGCGGGATTCCATAGAAGTTTGTTTACTCTCTATTTGTGGGTG-3'
Protein context (NP_001026.2, residues 2549-2569): LHTVYRLSKG[Cys2559Tyr]SLTKAQRDSI

ClinVar aggregate classification (germline): Uncertain significance (1 of 4 stars; one submission).

Conditions:
Cardiomyopathy (CMYO). Also called: Cardiomyopathies. Identifiers: Orphanet 167848, MedGen C0878544, MONDO:0004994, HP:0001638. Inheritance: Various modes of inheritance.

Submission:

Color Diagnostics, LLC DBA Color Health
Classification: Uncertain significance for Cardiomyopathy. Last evaluated: 2022-11-16. Review status: criteria provided, single submitter. Criteria: ACMG Guidelines, 2015. Collection method: clinical testing. Allele origin: germline.
Comment: This missense variant replaces cysteine with tyrosine at codon 2559 of the RYR2 protein. Computational prediction is inconclusive regarding the impact of this variant on protein structure and function (internally defined REVEL score threshold 0.5 < inconclusive < 0.7, PMID: 27666373). To our knowledge, functional studies have not been reported for this variant. This variant has not been reported in individuals affected with RYR2-related disorders in the literature. This variant has not been identified in the general population by the Genome Aggregation Database (gnomAD). The available evidence is insufficient to determine the role of this variant in disease conclusively. Therefore, this variant is classified as a Variant of Uncertain Significance.